The following is an entry in ClinVar:

NM_015261.3(NCAPD3):c.4083C>T (p.Ala1361=)

Gene: NCAPD3 (non-SMC condensin II complex subunit D3; minus strand). Cytogenetic location: 11q25.
Variant type: single nucleotide variant.
Coding change: c.4083C>T on transcript NM_015261.3 (MANE Select); coding-DNA position 4083, C replaced by T.
Protein change: p.Ala1361=; no amino-acid change (alanine 1361 retained).
Molecular consequence: synonymous variant.
Genome position (GRCh38, 1-based): chr11:134,158,019, G>A on the plus strand (C>T on the coding strand, the complement: NCAPD3 is on the minus strand). VCF-style: chr11-134158019-G-A. GRCh37 (hg19) VCF-style: chr11-134027914-G-A.
Other names: c.4083C>T, p.Ala1361= (NM_001372065.1, NM_001372068.1); c.3669C>T, p.Ala1223= (NM_001372069.1, NM_001372070.1).
Identifiers: ClinVar variation 3038683 (VCV003038683.2), dbSNP rs139534157, ClinGen allele CA6370573.

ClinVar aggregate classification (germline): Benign (0 of 4 stars; one submission).

Conditions:
NCAPD3-related disorder. Also called: NCAPD3-related condition.

Allele frequency attached by ClinVar (database versions not stated): gnomAD exomes 0.00030; ExAC 0.00087; 1000 Genomes Project 0.00260; gnomAD 0.00275; 1000 Genomes Project 30x 0.00281; ESP Exome Variant Server 0.00315; TOPMed 0.00333.
gnomAD v4.1: 856 of 1,614,132 alleles (0.053%); highest among the groups gnomAD compares: African/African-American, 1%; 2 homozygotes.

Submission:

PreventionGenetics, part of Exact Sciences
Classification: Benign for NCAPD3-related condition. Last evaluated: 2019-05-21. Review status: no assertion criteria provided. Collection method: clinical testing. Allele origin: germline.
Comment: This variant is classified as benign based on ACMG/AMP sequence variant interpretation guidelines (Richards et al. 2015 PMID: 25741868, with internal and published modifications).